The following is an entry in ClinVar:

NM_000051.4(ATM):c.7263A>C (p.Lys2421Asn)

Genes: ATM (ATM serine/threonine kinase; plus strand), C11orf65 (chromosome 11 open reading frame 65; minus strand). Cytogenetic location: 11q22.3.
Variant type: single nucleotide variant.
Coding change: c.7263A>C on transcript NM_000051.4 (MANE Select); coding-DNA position 7263, A replaced by C.
Protein change: p.Lys2421Asn; replaces lysine 2421 with asparagine.
Molecular consequence: missense variant. On other transcripts: intron variant (2).
Genome position (GRCh38, 1-based): chr11:108,329,194, A>C. VCF-style: chr11-108329194-A-C. GRCh37 (hg19) VCF-style: chr11-108199921-A-C.
Other names: c.7263A>C, p.Lys2421Asn (NM_001351834.2); c.641-20123T>G (NM_001330368.2); c.*38+6026T>G (NM_001351110.2); short protein forms K2421N.
Identifiers: ClinVar variation 3802164 (VCV003802164.1).
Genomic context (GRCh38, chr11:108,329,194, plus strand): 5'-TGAAAACTACATGAAATCATCGGAATTTGAAAACAAGCAAGCTCTCCTGAAAAGAGCCAA[A>C]GAGGAAGTAGGTCTCCTTAGGGAACATAAAATTCAGACAAACAGGTAACTAGGTTTCTAC-3'
Protein context (NP_000042.3, residues 2411-2431): ENKQALLKRA[Lys2421Asn]EEVGLLREHK

ClinVar aggregate classification (germline): Uncertain significance (1 of 4 stars; one submission).

Conditions:
Hereditary cancer-predisposing syndrome. Also called: Neoplastic Syndromes, Hereditary; Tumor predisposition; Hereditary Cancer Syndrome; Hereditary neoplastic syndrome. Identifiers: Orphanet 140162, MedGen C0027672, MeSH D009386, MONDO:0015356.

Submission:

Ambry Genetics
Classification: Uncertain significance for Hereditary cancer-predisposing syndrome. Last evaluated: 2025-01-23. Review status: criteria provided, single submitter. Criteria: Ambry Variant Classification Scheme 2023. Collection method: clinical testing. Allele origin: germline.
Comment: The p.K2421N variant (also known as c.7263A>C), located in coding exon 48 of the ATM gene, results from an A to C substitution at nucleotide position 7263. The lysine at codon 2421 is replaced by asparagine, an amino acid with similar properties. This amino acid position is conserved. In addition, this alteration is predicted to be tolerated by in silico analysis. Based on the available evidence, the clinical significance of this variant remains unclear.